The following is an entry in ClinVar:

ClinVar aggregate classification (germline): Uncertain significance (1 of 4 stars; one submission).

Allele frequency attached by ClinVar (database versions not stated): ExAC 0.00001; gnomAD exomes 0.00001; ESP Exome Variant Server 0.00008.

Submission:

Labcorp Genetics (formerly Invitae), Labcorp
Classification: Uncertain significance. Last evaluated: 2023-05-23. Review status: criteria provided, single submitter. Criteria: Invitae Variant Classification Sherloc (09022015). Collection method: clinical testing. Allele origin: germline.
Comment: This variant has not been reported in the literature in individuals affected with RHOBTB2-related conditions. ClinVar contains an entry for this variant (Variation ID: 1442924). Advanced modeling of protein sequence and biophysical properties (such as structural, functional, and spatial information, amino acid conservation, physicochemical variation, residue mobility, and thermodynamic stability) performed at Invitae indicates that this missense variant is not expected to disrupt RHOBTB2 protein function. In summary, the available evidence is currently insufficient to determine the role of this variant in disease. Therefore, it has been classified as a Variant of Uncertain Significance. The frequency data for this variant in the population databases is considered unreliable, as metrics indicate poor data quality at this position in the gnomAD database. This sequence change replaces arginine, which is basic and polar, with cysteine, which is neutral and slightly polar, at codon 299 of the RHOBTB2 protein (p.Arg299Cys).

NM_015178.3(RHOBTB2):c.829C>T (p.Arg277Cys)

Gene: RHOBTB2 (Rho related BTB domain containing 2; plus strand). Cytogenetic location: 8p21.3.
Variant type: single nucleotide variant.
Coding change: c.829C>T on transcript NM_015178.3 (MANE Select); coding-DNA position 829, C replaced by T.
Protein change: p.Arg277Cys; replaces arginine 277 with cysteine.
Molecular consequence: missense variant.
Genome position (GRCh38, 1-based): chr8:23,007,074, C>T. VCF-style: chr8-23007074-C-T. GRCh37 (hg19) VCF-style: chr8-22864587-C-T.
Other names: c.895C>T, p.Arg299Cys (NM_001160036.2); c.850C>T, p.Arg284Cys (NM_001160037.2); c.829C>T, p.Arg277Cys (NM_001374791.1); short protein forms R277C, R299C, R284C.
Identifiers: ClinVar variation 1442924 (VCV001442924.8), dbSNP rs371701582, ClinGen allele CA4672552.
Genomic context (GRCh38, chr8:23,007,074, plus strand): 5'-GCCCACCTCCTGGAGGACCCGCTCTGCGCGGACGTCATCCTGGTGCTGCAGGAGCGGGTG[C>T]GCATCTTTGCCCACAAGATCTACCTCTCCACCTCTTCCTCCAAGTTCTATGACCTGTTCC-3'
Protein context (NP_055993.2, residues 267-287): DVILVLQERV[Arg277Cys]IFAHKIYLST